The following is an entry in ClinVar:

NM_002439.5(MSH3):c.2218C>T (p.Pro740Ser)

Gene: MSH3 (mutS homolog 3; plus strand). Cytogenetic location: 5q14.1.
Variant type: single nucleotide variant.
Coding change: c.2218C>T on transcript NM_002439.5 (MANE Select); coding-DNA position 2218, C replaced by T.
Protein change: p.Pro740Ser; replaces proline 740 with serine.
Molecular consequence: missense variant.
Genome position (GRCh38, 1-based): chr5:80,768,968, C>T. VCF-style: chr5-80768968-C-T. GRCh37 (hg19) VCF-style: chr5-80064787-C-T.
Other names: short protein forms P740S.
Identifiers: ClinVar variation 639446 (VCV000639446.17), dbSNP rs931950562, ClinGen allele CA121320808.

ClinVar aggregate classification (germline): Uncertain significance. Review status: criteria provided, multiple submitters, no conflicts (2 of 4 stars). 6 submissions from 6 submitters: Uncertain significance (5). 1 of the submissions does not count toward it. Last evaluated 2026-01-24.

Conditions:
MSH3-related disorder. Also called: MSH3-related condition.
Hereditary cancer-predisposing syndrome. Also called: Hereditary Cancer Syndrome; Hereditary neoplastic syndrome; Tumor predisposition; Neoplastic Syndromes, Hereditary. Identifiers: Orphanet 140162, MedGen C0027672, MeSH D009386, MONDO:0015356.
Familial adenomatous polyposis 4 (FAP4). Also called: MSH3-related attenuated familial adenomatous polyposis. Identifiers: Orphanet 480536, MedGen C4310719, MONDO:0044300, OMIM 617100.
Endometrial carcinoma. Also called: Endometrial carcinoma, somatic. Identifiers: MedGen C0476089, MONDO:0002447, OMIM 608089, HP:0012114.

gnomAD v4.1: 3 of 1,612,996 alleles (0.00019%); highest among the groups gnomAD compares: Non-Finnish European, 0.00025%; no homozygotes.

Submissions (6):

Labcorp Genetics (formerly Invitae), Labcorp
Classification: Uncertain significance. Last evaluated: 2026-01-24. Review status: criteria provided, single submitter. Criteria: Invitae Variant Classification Sherloc (09022015). Collection method: clinical testing. Allele origin: germline.
Comment: This sequence change replaces proline, which is neutral and non-polar, with serine, which is neutral and polar, at codon 740 of the MSH3 protein (p.Pro740Ser). This variant is not present in population databases (gnomAD no frequency). This variant has not been reported in the literature in individuals affected with MSH3-related conditions. ClinVar contains an entry for this variant (Variation ID: 639446). An algorithm developed to predict the effect of missense changes on protein structure and function (PolyPhen-2) suggests that this variant is likely to be disruptive. In summary, the available evidence is currently insufficient to determine the role of this variant in disease. Therefore, it has been classified as a Variant of Uncertain Significance.

Dasa
Classification: Uncertain significance. Last evaluated: 2025-11-17. Review status: criteria provided, single submitter. Criteria: DASA Assertion Criteria. Collection method: clinical testing. Allele origin: germline.
Comment: NM_002439.5(MSH3):c.2218C>T (p.Pro740Ser) is a missense variant that results in the substitution of proline with serine. This variant is rare in population databases. The currently available literature and clinical evidence are not sufficient to establish a definitive association between this variant and the reported condition. Therefore, this variant is classified as a variant of uncertain significance.

Ambry Genetics
Classification: Uncertain significance for Hereditary cancer-predisposing syndrome. Last evaluated: 2025-05-16. Review status: criteria provided, single submitter. Criteria: Ambry Variant Classification Scheme 2023. Collection method: clinical testing. Allele origin: germline.

Baylor Genetics
Classification: Uncertain significance for Endometrial carcinoma. Last evaluated: 2024-02-20. Review status: criteria provided, single submitter. Criteria: ACMG Guidelines, 2015. Collection method: clinical testing. Allele origin: unknown.

St. Jude Molecular Pathology, St. Jude Children's Research Hospital
Classification: Uncertain significance for Familial adenomatous polyposis 4. Last evaluated: 2023-05-31. Review status: criteria provided, single submitter. Criteria: St. Jude Assertion Criteria 2020. Collection method: clinical testing. Allele origin: germline.
Comment: The MSH3 c.2218C>T (p.Pro740Ser) missense change is absent in gnomAD v2.1.1. The in silico tool REVEL is inconclusive about a pathogenic or benign effect of this variant on protein function, and to our knowledge functional studies have not been performed. To our knowledge, this variant has not been reported in individuals with MSH3-associated familial adenomatous polyposis. In summary, the evidence currently available is insufficient to determine the clinical significance of this variant. It has therefore been classified as of uncertain significance.

PreventionGenetics, part of Exact Sciences
Classification: Uncertain significance for MSH3-related condition. Last evaluated: 2024-01-24. Review status: no assertion criteria provided. Collection method: clinical testing. Allele origin: germline. Not counted in ClinVar's aggregate classification.
Comment: The MSH3 c.2218C>T variant is predicted to result in the amino acid substitution p.Pro740Ser. To our knowledge, this variant has not been reported in the literature or in a large population database, indicating this variant is rare. This variant is interpreted as uncertain significance in ClinVar. At this time, the clinical significance of this variant is uncertain due to the absence of conclusive functional and genetic evidence.